The following is an entry in ClinVar:

NM_001005273.3(CHD3):c.4092G>A (p.Ser1364=)

Gene: CHD3 (chromodomain helicase DNA binding protein 3; plus strand). Cytogenetic location: 17p13.1.
Variant type: single nucleotide variant.
Coding change: c.4092G>A on transcript NM_001005273.3 (MANE Select); coding-DNA position 4092, G replaced by A.
Protein change: p.Ser1364=; no amino-acid change (serine 1364 retained).
Molecular consequence: synonymous variant.
Genome position (GRCh38, 1-based): chr17:7,905,119, G>A. VCF-style: chr17-7905119-G-A. GRCh37 (hg19) VCF-style: chr17-7808437-G-A.
Other names: c.4269G>A, p.Ser1423= (NM_001005271.3); c.4092G>A, p.Ser1364= (NM_005852.4).
Identifiers: ClinVar variation 3042191 (VCV003042191.2), dbSNP rs118079592, ClinGen allele CA8363247.

ClinVar aggregate classification (germline): Benign (0 of 4 stars; one submission).

Conditions:
CHD3-related disorder. Also called: CHD3-related condition.

Allele frequency attached by ClinVar (database versions not stated): ESP Exome Variant Server 0.00138; TOPMed 0.00226; gnomAD 0.00476; gnomAD exomes 0.00711; ExAC 0.01644; 1000 Genomes Project 30x 0.02530; 1000 Genomes Project 0.02696.
gnomAD v4.1: 11,371 of 1,614,154 alleles (0.7%); highest among the groups gnomAD compares: South Asian, 9.4%; 523 homozygotes.

Submission:

PreventionGenetics, part of Exact Sciences
Classification: Benign for CHD3-related condition. Last evaluated: 2019-02-20. Review status: no assertion criteria provided. Collection method: clinical testing. Allele origin: germline.
Comment: This variant is classified as benign based on ACMG/AMP sequence variant interpretation guidelines (Richards et al. 2015 PMID: 25741868, with internal and published modifications).